The following is an entry in ClinVar:

NM_001330723.2(SNX27):c.1438G>C (p.Asp480His)

Gene: SNX27 (sorting nexin 27; plus strand). Cytogenetic location: 1q21.3.
Variant type: single nucleotide variant.
Coding change: c.1438G>C on transcript NM_001330723.2 (MANE Select); coding-DNA position 1438, G replaced by C.
Protein change: p.Asp480His; replaces aspartic acid 480 with histidine.
Molecular consequence: missense variant.
Genome position (GRCh38, 1-based): chr1:151,692,959, G>C. VCF-style: chr1-151692959-G-C. GRCh37 (hg19) VCF-style: chr1-151665435-G-C.
Other names: c.1438G>C, p.Asp480His (NM_030918.6); short protein forms D480H.
Identifiers: ClinVar variation 838295 (VCV000838295.9), dbSNP rs145045028, ClinGen allele CA1093675.

ClinVar aggregate classification (germline): Uncertain significance. Review status: criteria provided, multiple submitters, no conflicts (2 of 4 stars). 2 submissions from 2 submitters: Uncertain significance (2). Last evaluated 2025-05-18.

Conditions:
Inborn genetic diseases. Identifiers: MedGen C0950123, MeSH D030342.
Severe myoclonic epilepsy in infancy (DRVT). Also called: SEVERE MYOCLONIC EPILEPSY OF INFANCY; DEVELOPMENTAL AND EPILEPTIC ENCEPHALOPATHY 6A; Dravet syndrome; Epileptic encephalopathy, early infantile, 6 (Dravet syndrome); Severe Myoclonic Epilepsy in Infancy (SMEI). Identifiers: Orphanet 33069, MedGen C0751122, MONDO:0100135, OMIM 607208.

Allele frequency attached by ClinVar (database versions not stated): gnomAD exomes 0.00009 and 0.00017; ExAC 0.00010; TOPMed 0.00011; gnomAD 0.00013; ESP Exome Variant Server 0.00023.
gnomAD v4.1: 274 of 1,614,084 alleles (0.017%); highest among the groups gnomAD compares: Non-Finnish European, 0.022%; no homozygotes.

Submissions (2):

Ambry Genetics
Classification: Uncertain significance for Inborn genetic diseases. Last evaluated: 2025-05-18. Review status: criteria provided, single submitter. Criteria: Ambry Variant Classification Scheme 2023. Collection method: clinical testing. Allele origin: germline.

Labcorp Genetics (formerly Invitae), Labcorp
Classification: Uncertain significance for Severe myoclonic epilepsy in infancy. Last evaluated: 2023-11-27. Review status: criteria provided, single submitter. Criteria: Invitae Variant Classification Sherloc (09022015). Collection method: clinical testing. Allele origin: germline.
Comment: This sequence change replaces aspartic acid, which is acidic and polar, with histidine, which is basic and polar, at codon 480 of the SNX27 protein (p.Asp480His). This variant is present in population databases (rs145045028, gnomAD 0.02%). This variant has not been reported in the literature in individuals affected with SNX27-related conditions. ClinVar contains an entry for this variant (Variation ID: 838295). An algorithm developed to predict the effect of missense changes on protein structure and function (PolyPhen-2) suggests that this variant is likely to be disruptive. In summary, the available evidence is currently insufficient to determine the role of this variant in disease. Therefore, it has been classified as a Variant of Uncertain Significance.